The following is an entry in ClinVar:

NM_000535.7(PMS2):c.995T>C (p.Val332Ala)

Gene: PMS2 (PMS1 homolog 2, mismatch repair system component; minus strand). Cytogenetic location: 7p22.1.
Variant type: single nucleotide variant.
Coding change: c.995T>C on transcript NM_000535.7 (MANE Select); coding-DNA position 995, T replaced by C.
Protein change: p.Val332Ala; replaces valine 332 with alanine.
Molecular consequence: missense variant. On other transcripts: non-coding transcript variant (1), intron variant (10).
Genome position (GRCh38, 1-based): chr7:5,989,949, A>G on the plus strand (T>C on the coding strand, the complement: PMS2 is on the minus strand). VCF-style: chr7-5989949-A-G. GRCh37 (hg19) VCF-style: chr7-6029580-A-G.
Other names: c.590T>C, p.Val197Ala (NM_001322003.2, NM_001322004.2, NM_001322005.2 and 16 more transcripts); c.677T>C, p.Val226Ala (NM_001322007.2, NM_001322008.2, NM_001406876.1 and 2 more transcripts); c.62T>C, p.Val21Ala (NM_001322011.2, NM_001322012.2); c.422T>C, p.Val141Ala (NM_001322013.2, NM_001406909.1); c.995T>C, p.Val332Ala (NM_001322014.2, NM_001406871.1, NM_001406872.1); c.686T>C, p.Val229Ala (NM_001322015.2, NM_001406875.1, NM_001406877.1 and 5 more transcripts); c.1181T>C, p.Val394Ala (NM_001406866.1); c.1019T>C, p.Val340Ala (NM_001406868.1); and 13 more; short protein forms V197A, V210A, V21A, V226A, V276A, V332A, V75A, V229A.
Identifiers: ClinVar variation 3890989 (VCV003890989.1).

ClinVar aggregate classification (germline): Uncertain significance (1 of 4 stars; one submission).

Conditions:
Hereditary cancer-predisposing syndrome. Also called: Tumor predisposition; Neoplastic Syndromes, Hereditary; Hereditary Cancer Syndrome; Hereditary neoplastic syndrome. Identifiers: Orphanet 140162, MedGen C0027672, MeSH D009386, MONDO:0015356.

Submission:

Ambry Genetics
Classification: Uncertain significance for Hereditary cancer-predisposing syndrome. Last evaluated: 2025-01-18. Review status: criteria provided, single submitter. Criteria: Ambry Variant Classification Scheme 2023. Collection method: clinical testing. Allele origin: germline.
Comment: The p.V332A variant (also known as c.995T>C), located in coding exon 10 of the PMS2 gene, results from a T to C substitution at nucleotide position 995. The valine at codon 332 is replaced by alanine, an amino acid with similar properties. This amino acid position is conserved. In addition, this alteration is predicted to be deleterious by in silico analysis. Based on the available evidence, the clinical significance of this variant remains unclear.